The following is an entry in ClinVar:

NM_033380.3(COL4A5):c.639A>G (p.Gly213=)

Gene: COL4A5 (collagen type IV alpha 5 chain; plus strand). Cytogenetic location: Xq22.3.
Variant type: single nucleotide variant.
Coding change: c.639A>G on transcript NM_033380.3 (MANE Select); coding-DNA position 639, A replaced by G.
Protein change: p.Gly213=; no amino-acid change (glycine 213 retained).
Molecular consequence: synonymous variant.
Genome position (GRCh38, 1-based): chrX:108,577,981, A>G. VCF-style: chrX-108577981-A-G. GRCh37 (hg19) VCF-style: chrX-107821211-A-G.
Other names: c.639A>G, p.Gly213= (NM_000495.5).
Identifiers: ClinVar variation 1103224 (VCV001103224.11), dbSNP rs2147770243, ClinGen allele CA517991741.

ClinVar aggregate classification (germline): Conflicting classifications of pathogenicity. Review status: criteria provided, conflicting classifications (1 of 4 stars). 2 submissions from 2 submitters: Uncertain significance (1); Likely benign (1). Last evaluated 2023-10-20.

gnomAD v4.1: 1 of 1,204,415 alleles (0.000083%); no homozygotes.

Submissions (2):

Labcorp Genetics (formerly Invitae), Labcorp
Classification: Likely benign. Last evaluated: 2023-10-20. Review status: criteria provided, single submitter. Criteria: Invitae Variant Classification Sherloc (09022015). Collection method: clinical testing. Allele origin: germline.

GeneDx
Classification: Uncertain significance. Last evaluated: 2023-05-05. Review status: criteria provided, single submitter. Criteria: GeneDx Variant Classification Process June 2021. Collection method: clinical testing. Allele origin: germline. Affected: yes.
Comment: Not observed at significant frequency in large population cohorts (gnomAD); In silico analysis supports that this variant does not alter splicing; Has not been previously published as pathogenic or benign to our knowledge